The following is an entry in ClinVar:

NM_000282.4(PCCA):c.1756G>T (p.Asp586Tyr)

Gene: PCCA (propionyl-CoA carboxylase subunit alpha; plus strand). Cytogenetic location: 13q32.3.
Variant type: single nucleotide variant.
Coding change: c.1756G>T on transcript NM_000282.4 (MANE Select); coding-DNA position 1756, G replaced by T.
Protein change: p.Asp586Tyr; replaces aspartic acid 586 with tyrosine.
Molecular consequence: missense variant. On other transcripts: non-coding transcript variant (5).
Genome position (GRCh38, 1-based): chr13:100,425,642, G>T. VCF-style: chr13-100425642-G-T. GRCh37 (hg19) VCF-style: chr13-101077896-G-T.
Other names: c.1678G>T, p.Asp560Tyr (NM_001127692.3, NM_001352607.2); c.1756G>T, p.Asp586Tyr (NM_001178004.2, NM_001352605.2, NM_001352609.2); c.1612G>T, p.Asp538Tyr (NM_001352606.2); c.1534G>T, p.Asp512Tyr (NM_001352608.2); c.811G>T, p.Asp271Tyr (NM_001352610.2, NM_001352611.2); c.667G>T, p.Asp223Tyr (NM_001352612.2); short protein forms D271Y, D538Y, D223Y, D512Y, D586Y, D560Y.
Identifiers: ClinVar variation 1503193 (VCV001503193.5), dbSNP rs2079091190, ClinGen allele CA388696746.

ClinVar aggregate classification (germline): Uncertain significance (1 of 4 stars; one submission).

Conditions:
Propionic acidemia (PROP). Also called: GLYCINEMIA, KETOTIC; HYPERGLYCINEMIA WITH KETOACIDOSIS AND LEUKOPENIA; KETOTIC HYPERGLYCINEMIA. Identifiers: Orphanet 35, MedGen C0268579, MONDO:0011628, OMIM 606054, HP:0003571.

Allele frequency attached by ClinVar (database versions not stated): TOPMed below 0.00001; gnomAD 0.00001.
gnomAD v4.1: 2 of 1,612,810 alleles (0.00012%); highest among the groups gnomAD compares: Admixed American, 0.0017%; no homozygotes.

Submission:

Labcorp Genetics (formerly Invitae), Labcorp
Classification: Uncertain significance for Propionic acidemia. Last evaluated: 2021-08-20. Review status: criteria provided, single submitter. Criteria: Invitae Variant Classification Sherloc (09022015). Collection method: clinical testing. Allele origin: germline.
Comment: This sequence change replaces aspartic acid with tyrosine at codon 586 of the PCCA protein (p.Asp586Tyr). The aspartic acid residue is highly conserved and there is a large physicochemical difference between aspartic acid and tyrosine. This variant is not present in population databases (ExAC no frequency). This variant has not been reported in the literature in individuals affected with PCCA-related conditions. Advanced modeling of protein sequence and biophysical properties (such as structural, functional, and spatial information, amino acid conservation, physicochemical variation, residue mobility, and thermodynamic stability) performed at Invitae indicates that this missense variant is expected to disrupt PCCA protein function. In summary, the available evidence is currently insufficient to determine the role of this variant in disease. Therefore, it has been classified as a Variant of Uncertain Significance.